The following is an entry in ClinVar:

ClinVar aggregate classification (germline): Uncertain significance (0 of 4 stars; one submission).

Conditions:
AVPR2-related disorder. Also called: AVPR2-related condition.

Submission:

PreventionGenetics, part of Exact Sciences
Classification: Uncertain significance for AVPR2-related condition. Last evaluated: 2024-06-13. Review status: no assertion criteria provided. Collection method: clinical testing. Allele origin: germline.
Comment: The AVPR2 c.866T>A variant is predicted to result in the amino acid substitution p.Leu289Gln. To our knowledge, this variant has not been reported in the literature or in a large population database, indicating this variant is rare. At this time, the clinical significance of this variant is uncertain due to the absence of conclusive functional and genetic evidence.

NM_000054.7(AVPR2):c.866T>A (p.Leu289Gln)

Gene: AVPR2 (arginine vasopressin receptor 2; plus strand). Cytogenetic location: Xq28.
Variant type: single nucleotide variant.
Coding change: c.866T>A on transcript NM_000054.7 (MANE Select); coding-DNA position 866, T replaced by A.
Protein change: p.Leu289Gln; replaces leucine 289 with glutamine.
Molecular consequence: missense variant. On other transcripts: non-coding transcript variant (1).
Genome position (GRCh38, 1-based): chrX:153,906,372, T>A. VCF-style: chrX-153906372-T-A. GRCh37 (hg19) VCF-style: chrX-153171826-T-A.
Other names: c.866T>A, p.Leu289Gln (NM_001146151.3); short protein forms L289Q.
Identifiers: ClinVar variation 3347479 (VCV003347479.1).